The following is an entry in ClinVar:

ClinVar aggregate classification (germline): Uncertain significance (1 of 4 stars; one submission).

Conditions:
Emery-Dreifuss muscular dystrophy 5, autosomal dominant (EDMD5). Also called: EMERY-DREIFUSS MUSCULAR DYSTROPHY 5. Identifiers: Orphanet 261, MedGen C2751805, MONDO:0013072, OMIM 612999.

Submission:

Labcorp Genetics (formerly Invitae), Labcorp
Classification: Uncertain significance for Emery-Dreifuss muscular dystrophy 5, autosomal dominant. Last evaluated: 2025-12-23. Review status: criteria provided, single submitter. Criteria: Invitae Variant Classification Sherloc (09022015). Collection method: clinical testing. Allele origin: germline.
Comment: This sequence change creates a premature translational stop signal (p.Lys6282Aspfs*19) in the SYNE2 gene. It is expected to result in an absent or disrupted protein product. However, the current clinical and genetic evidence is not sufficient to establish whether loss-of-function variants in SYNE2 cause disease. This variant is not present in population databases (gnomAD no frequency). This variant has not been reported in the literature in individuals affected with SYNE2-related conditions. In summary, the available evidence is currently insufficient to determine the role of this variant in disease. Therefore, it has been classified as a Variant of Uncertain Significance.

NM_182914.3(SYNE2):c.18844_18845del (p.Lys6282fs)

Gene: SYNE2 (spectrin repeat containing nuclear envelope protein 2; plus strand). Cytogenetic location: 14q23.2.
Variant type: Deletion.
Coding change: c.18844_18845del on transcript NM_182914.3 (MANE Select); coding-DNA positions 18844 to 18845, 2 bases deleted (AA; older notation c.18844_18845delAA).
Protein change: p.Lys6282fs; shifts the reading frame from lysine 6282.
Molecular consequence: frameshift variant.
Genome position (GRCh38, 1-based): chr14:64,212,081-64,212,082, AA deleted. VCF-style (leftmost placement, unchanged base first): chr14-64212080-CAA-C. GRCh37 (hg19) VCF-style: chr14-64678798-CAA-C.
Other names: c.18844_18845del, p.Lys6282fs (NM_015180.6); short protein forms K6282fs.
Identifiers: ClinVar variation 4734026 (VCV004734026.1).